The following is an entry in ClinVar:

ClinVar aggregate classification (germline): Uncertain significance. Review status: criteria provided, multiple submitters, no conflicts (2 of 4 stars). 3 submissions from 3 submitters: Uncertain significance (3). Last evaluated 2026-04-06.

Conditions:
Inborn genetic diseases. Identifiers: MedGen C0950123, MeSH D030342.
Pitt-Hopkins syndrome (PTHS). Also called: ENCEPHALOPATHY, SEVERE EPILEPTIC, WITH AUTONOMIC DYSFUNCTION; MENTAL RETARDATION, SYNDROMAL, WITH INTERMITTENT HYPERVENTILATION. Identifiers: Orphanet 2896, MedGen C1970431, MONDO:0012589, OMIM 610954.

Allele frequency attached by ClinVar (database versions not stated): gnomAD exomes below 0.00001; gnomAD 0.00002; TOPMed 0.00002.
gnomAD v4.1: 5 of 1,614,016 alleles (0.00031%); highest among the groups gnomAD compares: African/African-American, 0.0053%; no homozygotes.

Submissions (3):

Ambry Genetics
Classification: Uncertain significance for Inborn genetic diseases. Last evaluated: 2026-04-06. Review status: criteria provided, single submitter. Criteria: Ambry Variant Classification Scheme 2023. Collection method: clinical testing. Allele origin: germline.

GeneDx
Classification: Uncertain significance. Last evaluated: 2024-05-19. Review status: criteria provided, single submitter. Criteria: GeneDx Variant Classification Process June 2021. Collection method: clinical testing. Allele origin: germline. Affected: yes.
Comment: Not observed at significant frequency in large population cohorts (gnomAD); In silico analysis indicates that this missense variant does not alter protein structure/function; Has not been previously published as pathogenic or benign to our knowledge

Labcorp Genetics (formerly Invitae), Labcorp
Classification: Uncertain significance for Pitt-Hopkins syndrome. Last evaluated: 2024-02-15. Review status: criteria provided, single submitter. Criteria: Invitae Variant Classification Sherloc (09022015). Collection method: clinical testing. Allele origin: germline.
Comment: This sequence change replaces aspartic acid, which is acidic and polar, with glutamic acid, which is acidic and polar, at codon 492 of the TCF4 protein (p.Asp492Glu). This variant is not present in population databases (gnomAD no frequency). This variant has not been reported in the literature in individuals affected with TCF4-related conditions. Advanced modeling of protein sequence and biophysical properties (such as structural, functional, and spatial information, amino acid conservation, physicochemical variation, residue mobility, and thermodynamic stability) performed at Invitae indicates that this missense variant is not expected to disrupt TCF4 protein function with a negative predictive value of 95%. In summary, the available evidence is currently insufficient to determine the role of this variant in disease. Therefore, it has been classified as a Variant of Uncertain Significance.

NM_001083962.2(TCF4):c.1476C>A (p.Asp492Glu)

Gene: TCF4 (transcription factor 4; minus strand). Cytogenetic location: 18q21.2.
Variant type: single nucleotide variant.
Coding change: c.1476C>A on transcript NM_001083962.2 (MANE Select); coding-DNA position 1476, C replaced by A.
Protein change: p.Asp492Glu; replaces aspartic acid 492 with glutamic acid.
Molecular consequence: missense variant.
Genome position (GRCh38, 1-based): chr18:55,234,558, G>T on the plus strand (C>A on the coding strand, the complement: TCF4 is on the minus strand). VCF-style: chr18-55234558-G-T. GRCh37 (hg19) VCF-style: chr18-52901789-G-T.
Other names: c.1476C>A (NM_001083962.1); c.996C>A, p.Asp332Glu (NM_001243235.2, NM_001243236.2, NM_001243234.2 and 1 more transcripts); c.1404C>A, p.Asp468Glu (NM_001306207.1, NM_001369575.1, NM_001369582.1 and 5 more transcripts); c.1263C>A, p.Asp421Glu (NM_001306208.1, NM_001243232.1); c.1473C>A, p.Asp491Glu (NM_001330604.3, NM_001369570.1, NM_001369573.1 and 2 more transcripts); c.1086C>A, p.Asp362Glu (NM_001330605.3, NM_001348212.2, NM_001348213.2 and 1 more transcripts); c.1350C>A, p.Asp450Glu (NM_001348211.2, NM_001243231.2); c.1476C>A, p.Asp492Glu (NM_001369571.1, NM_001369572.1, NM_003199.3 and 2 more transcripts); and 7 more; short protein forms D332E, D468E, D491E, D276E, D467E, D469E, D492E, D421E.
Identifiers: ClinVar variation 2718560 (VCV002718560.4), dbSNP rs1319622679, ClinGen allele CA402531472.